The following is an entry in ClinVar:

NM_002739.5(PRKCG):c.1284C>T (p.Asp428=)

Gene: PRKCG (protein kinase C gamma; plus strand). Cytogenetic location: 19q13.42.
Variant type: single nucleotide variant.
Coding change: c.1284C>T on transcript NM_002739.5 (MANE Select); coding-DNA position 1284, C replaced by T.
Protein change: p.Asp428=; no amino-acid change (aspartic acid 428 retained).
Molecular consequence: synonymous variant.
Genome position (GRCh38, 1-based): chr19:53,900,235, C>T. VCF-style: chr19-53900235-C-T. GRCh37 (hg19) VCF-style: chr19-54403489-C-T.
Other names: c.1284C>T, p.Asp428= (NM_001316329.2).
Identifiers: ClinVar variation 1206209 (VCV001206209.10), dbSNP rs147817906, ClinGen allele CA9640560.

ClinVar aggregate classification (germline): Likely benign. Review status: criteria provided, single submitter (1 of 4 stars). 3 submissions from 3 submitters: Likely benign (1). 2 of the submissions do not count toward it. Last evaluated 2025-07-01.

Allele frequency attached by ClinVar (database versions not stated): ExAC 0.00012; TOPMed 0.00014; gnomAD 0.00015 and 0.00017; gnomAD exomes 0.00016 and 0.00030; ESP Exome Variant Server 0.00046.
gnomAD v4.1: 447 of 1,613,896 alleles (0.028%); highest among the groups gnomAD compares: Non-Finnish European, 0.037%; no homozygotes.

Submissions (3):

CeGaT Center for Human Genetics Tuebingen
Classification: Likely benign. Last evaluated: 2025-07-01. Review status: criteria provided, single submitter. Criteria: CeGaT Center For Human Genetics Tuebingen Variant Classification Criteria Version 2. Collection method: clinical testing. Allele origin: germline. Affected: yes. Observed: 1 variant allele.
Comment: PRKCG: BP4, BP7

Clinical Genetics DNA and cytogenetics Diagnostics Lab, Erasmus MC, Erasmus Medical Center
Classification: Likely benign. Review status: no assertion criteria provided. Collection method: clinical testing. Allele origin: germline. Affected: yes. Study: VKGL Data-share Consensus. Not counted in ClinVar's aggregate classification.

Laboratory of Diagnostic Genome Analysis, Leiden University Medical Center (LUMC)
Classification: Likely benign. Review status: no assertion criteria provided. Collection method: clinical testing. Allele origin: germline. Affected: yes. Study: VKGL Data-share Consensus. Not counted in ClinVar's aggregate classification.